The following is an entry in ClinVar:

ClinVar aggregate classification (germline): Uncertain significance. Review status: criteria provided, multiple submitters, no conflicts (2 of 4 stars). 2 submissions from 2 submitters: Uncertain significance (2). Last evaluated 2026-08-12.

Conditions:
NIPBL-related disorder. Also called: NIPBL-related condition.
Inborn genetic diseases. Identifiers: MedGen C0950123, MeSH D030342.

gnomAD v4.1: 2 of 1,613,660 alleles (0.00012%); highest among the groups gnomAD compares: Non-Finnish European, 0.00017%; no homozygotes.

Submissions (2):

Ambry Genetics
Classification: Uncertain significance for Inborn genetic diseases. Last evaluated: 2026-08-12. Review status: criteria provided, single submitter. Criteria: Ambry Variant Classification Scheme 2023. Collection method: clinical testing. Allele origin: germline.

PreventionGenetics, part of Exact Sciences
Classification: Uncertain significance for NIPBL-related condition. Last evaluated: 2025-08-04. Review status: criteria provided, single submitter. Criteria: ACMG Guidelines, 2015. Collection method: clinical testing. Allele origin: germline.
Comment: The NIPBL c.710A>G variant is predicted to result in the amino acid substitution p.Asp237Gly. To our knowledge, this variant has not been reported in the literature or in a large population database (gnomAD), indicating this variant is rare. At this time, the clinical significance of this variant is uncertain due to the absence of conclusive functional and genetic evidence.

NM_133433.4(NIPBL):c.710A>G (p.Asp237Gly)

Gene: NIPBL (NIPBL cohesin loading factor; plus strand). Cytogenetic location: 5p13.2.
Variant type: single nucleotide variant.
Coding change: c.710A>G on transcript NM_133433.4 (MANE Select); coding-DNA position 710, A replaced by G.
Protein change: p.Asp237Gly; replaces aspartic acid 237 with glycine.
Molecular consequence: missense variant.
Genome position (GRCh38, 1-based): chr5:36,970,975, A>G. VCF-style: chr5-36970975-A-G. GRCh37 (hg19) VCF-style: chr5-36971077-A-G.
Other names: c.710A>G, p.Asp237Gly (NM_001438586.1, NM_015384.5); short protein forms D237G.
Identifiers: ClinVar variation 4996726 (VCV004996726.2).